The following is an entry in ClinVar:

NM_001386795.1(DTNA):c.182C>G (p.Ala61Gly)

Gene: DTNA (dystrobrevin alpha; plus strand). Cytogenetic location: 18q12.1.
Variant type: single nucleotide variant.
Coding change: c.182C>G on transcript NM_001386795.1 (MANE Select); coding-DNA position 182, C replaced by G.
Protein change: p.Ala61Gly; replaces alanine 61 with glycine.
Molecular consequence: missense variant.
Genome position (GRCh38, 1-based): chr18:34,794,070, C>G. VCF-style: chr18-34794070-C-G. GRCh37 (hg19) VCF-style: chr18-32374034-C-G.
Other names: c.182C>G, p.Ala61Gly (NM_001128175.2, NM_001198938.2, NM_001198939.2 and 35 more transcripts); short protein forms A61G.
Identifiers: ClinVar variation 450421 (VCV000450421.9), dbSNP rs767620520, ClinGen allele CA8935311.

ClinVar aggregate classification (germline): Uncertain significance. Review status: criteria provided, multiple submitters, no conflicts (2 of 4 stars). 2 submissions from 2 submitters: Uncertain significance (2). Last evaluated 2025-12-15.

Conditions:
Left ventricular noncompaction 1 (LVNC1). Also called: LEFT VENTRICULAR NONCOMPACTION 1 WITH OR WITHOUT CONGENITAL HEART DEFECTS. Identifiers: Orphanet 54260, MedGen C1858725, MONDO:0011403, OMIM 604169.

Allele frequency attached by ClinVar (database versions not stated): gnomAD exomes 0.00001 and 0.00002; ExAC 0.00002; TOPMed 0.00004.
gnomAD v4.1: 10 of 1,614,084 alleles (0.00062%); highest among the groups gnomAD compares: Admixed American, 0.013%; no homozygotes.

Submissions (2):

Labcorp Genetics (formerly Invitae), Labcorp
Classification: Uncertain significance for Left ventricular noncompaction 1. Last evaluated: 2025-12-15. Review status: criteria provided, single submitter. Criteria: Invitae Variant Classification Sherloc (09022015). Collection method: clinical testing. Allele origin: germline.
Comment: This sequence change replaces alanine, which is neutral and non-polar, with glycine, which is neutral and non-polar, at codon 61 of the DTNA protein (p.Ala61Gly). This variant is present in population databases (rs767620520, gnomAD 0.01%). This variant has not been reported in the literature in individuals affected with DTNA-related conditions. ClinVar contains an entry for this variant (Variation ID: 450421). Invitae Evidence Modeling of protein sequence and biophysical properties (such as structural, functional, and spatial information, amino acid conservation, physicochemical variation, residue mobility, and thermodynamic stability) has been performed for this missense variant. However, the output from this modeling did not meet the statistical confidence thresholds required to predict the impact of this variant on DTNA protein function. In summary, the available evidence is currently insufficient to determine the role of this variant in disease. Therefore, it has been classified as a Variant of Uncertain Significance.

GeneDx
Classification: Uncertain significance. Last evaluated: 2017-07-11. Review status: criteria provided, single submitter. Criteria: GeneDx Variant Classification (06012015). Collection method: clinical testing. Allele origin: germline. Affected: yes.
Comment: A variant of uncertain significance has been identified in the DTNA gene. The A61G variant has not been published as pathogenic or been reported as benign to our knowledge. This variant is not observed at a significant frequency in large population cohorts (Lek et al., 2016; 1000 Genomes Consortium et al., 2015; Exome Variant Server). This substitution occurs at a position that is conserved across species and in silico analysis predicts this variant is probably damaging to the protein structure/function. However, the A61G variant is a conservative amino acid substitution, which is not likely to impact secondary protein structure as these residues share similar properties.